The following is an entry in ClinVar:

ClinVar aggregate classification (germline): Uncertain significance (1 of 4 stars; one submission).

Conditions:
Epileptic encephalopathy. Identifiers: MedGen C0543888, HP:0200134.

Allele frequency attached by ClinVar (database versions not stated): gnomAD exomes below 0.00001; ExAC 0.00001.
gnomAD v4.1: 1 of 1,613,906 alleles (0.000062%); highest among the groups gnomAD compares: Non-Finnish European, 0.000085%; no homozygotes.

Submission:

Labcorp Genetics (formerly Invitae), Labcorp
Classification: Uncertain significance for Epileptic encephalopathy. Last evaluated: 2019-11-10. Review status: criteria provided, single submitter. Criteria: Invitae Variant Classification Sherloc (09022015). Collection method: clinical testing. Allele origin: germline.
Comment: Algorithms developed to predict the effect of missense changes on protein structure and function output the following: SIFT: "Tolerated"; PolyPhen-2: "Benign"; Align-GVGD: "Class C0". The serine amino acid residue is found in multiple mammalian species, suggesting that this missense change does not adversely affect protein function. These predictions have not been confirmed by published functional studies and their clinical significance is uncertain. In summary, the available evidence is currently insufficient to determine the role of this variant in disease. Therefore, it has been classified as a Variant of Uncertain Significance. This variant has not been reported in the literature in individuals with RYR3-related conditions. This variant is present in population databases (rs765319074, ExAC 0.01%). This sequence change replaces threonine with serine at codon 4262 of the RYR3 protein (p.Thr4262Ser). The threonine residue is weakly conserved and there is a small physicochemical difference between threonine and serine.

NM_001036.6(RYR3):c.12785C>G (p.Thr4262Ser)

Gene: RYR3 (ryanodine receptor 3; plus strand). Cytogenetic location: 15q14.
Variant type: single nucleotide variant.
Coding change: c.12785C>G on transcript NM_001036.6 (MANE Select); coding-DNA position 12785, C replaced by G.
Protein change: p.Thr4262Ser; replaces threonine 4262 with serine.
Molecular consequence: missense variant.
Genome position (GRCh38, 1-based): chr15:33,838,765, C>G. VCF-style: chr15-33838765-C-G. GRCh37 (hg19) VCF-style: chr15-34130966-C-G.
Other names: c.12770C>G, p.Thr4257Ser (NM_001243996.4); short protein forms T4257S, T4262S.
Identifiers: ClinVar variation 969861 (VCV000969861.9), dbSNP rs765319074, ClinGen allele CA7461464.